The following is an entry in ClinVar:

ClinVar aggregate classification (germline): Uncertain significance (1 of 4 stars; one submission).

Submission:

Labcorp Genetics (formerly Invitae), Labcorp
Classification: Uncertain significance. Last evaluated: 2025-02-04. Review status: criteria provided, single submitter. Criteria: Invitae Variant Classification Sherloc (09022015). Collection method: clinical testing. Allele origin: germline.
Comment: This sequence change replaces isoleucine, which is neutral and non-polar, with methionine, which is neutral and non-polar, at codon 386 of the SLC4A1 protein (p.Ile386Met). This variant is not present in population databases (gnomAD no frequency). This variant has not been reported in the literature in individuals affected with SLC4A1-related conditions. Invitae Evidence Modeling of protein sequence and biophysical properties (such as structural, functional, and spatial information, amino acid conservation, physicochemical variation, residue mobility, and thermodynamic stability) indicates that this missense variant is not expected to disrupt SLC4A1 protein function with a negative predictive value of 80%. In summary, the available evidence is currently insufficient to determine the role of this variant in disease. Therefore, it has been classified as a Variant of Uncertain Significance.

NM_000342.4(SLC4A1):c.1158C>G (p.Ile386Met)

Gene: SLC4A1 (solute carrier family 4 member 1 (Diego blood group); minus strand). Cytogenetic location: 17q21.31.
Variant type: single nucleotide variant.
Coding change: c.1158C>G on transcript NM_000342.4 (MANE Select); coding-DNA position 1158, C replaced by G.
Protein change: p.Ile386Met; replaces isoleucine 386 with methionine.
Molecular consequence: missense variant.
Genome position (GRCh38, 1-based): chr17:44,258,110, G>C on the plus strand (C>G on the coding strand, the complement: SLC4A1 is on the minus strand). VCF-style: chr17-44258110-G-C. GRCh37 (hg19) VCF-style: chr17-42335478-G-C.
Other names: short protein forms I386M.
Identifiers: ClinVar variation 4742365 (VCV004742365.1).